The following is an entry in ClinVar:

ClinVar aggregate classification (germline): Uncertain significance (1 of 4 stars; one submission).

Conditions:
Early-infantile DEE. Also called: Early infantile epileptic encephalopathy; Early infantile epileptic encephalopathy with suppression bursts; Ohtahara syndrome. Identifiers: Orphanet 1934, MedGen C0393706, MONDO:0800491.

Allele frequency attached by ClinVar (database versions not stated): gnomAD exomes below 0.00001; ExAC 0.00001.
gnomAD v4.1: 1 of 1,613,912 alleles (0.000062%); highest among the groups gnomAD compares: Non-Finnish European, 0.000085%; no homozygotes.

Submission:

Labcorp Genetics (formerly Invitae), Labcorp
Classification: Uncertain significance for Early-infantile DEE. Last evaluated: 2025-06-02. Review status: criteria provided, single submitter. Criteria: Invitae Variant Classification Sherloc (09022015). Collection method: clinical testing. Allele origin: germline.
Comment: The SCN8A gene has multiple clinically relevant transcripts. This variant occurs in alternate transcript NM_001330260.1, and corresponds to NM_014191.3:c.706+194C>T in the primary transcript. This sequence change replaces alanine, which is neutral and non-polar, with valine, which is neutral and non-polar, at codon 218 of the SCN8A protein (p.Ala218Val). This variant is present in population databases (rs751714292, gnomAD 0.0009%). This variant has not been reported in the literature in individuals affected with SCN8A-related conditions. ClinVar contains an entry for this variant (Variation ID: 1974720). Experimental studies and prediction algorithms are not available or were not evaluated, and the functional significance of this variant is currently unknown. Algorithms developed to predict the effect of sequence changes on RNA splicing suggest that this variant is not likely to affect RNA splicing. In summary, the available evidence is currently insufficient to determine the role of this variant in disease. Therefore, it has been classified as a Variant of Uncertain Significance.

NM_001330260.2(SCN8A):c.653C>T (p.Ala218Val)

Gene: SCN8A (sodium voltage-gated channel alpha subunit 8; plus strand). Cytogenetic location: 12q13.13.
Variant type: single nucleotide variant.
Coding change: c.653C>T on transcript NM_001330260.2 (MANE Select); coding-DNA position 653, C replaced by T.
Protein change: p.Ala218Val; replaces alanine 218 with valine.
Molecular consequence: missense variant. On other transcripts: intron variant (2).
Genome position (GRCh38, 1-based): chr12:51,689,043, C>T. VCF-style: chr12-51689043-C-T. GRCh37 (hg19) VCF-style: chr12-52082827-C-T.
Other names: c.653C>T, p.Ala218Val (NM_001369788.1); c.706+194C>T (NM_014191.4, NM_001177984.3); short protein forms A218V.
Identifiers: ClinVar variation 1974720 (VCV001974720.5), dbSNP rs751714292, ClinGen allele CA6571122.